The following is an entry in ClinVar:

ClinVar aggregate classification (germline): Uncertain significance. Review status: criteria provided, multiple submitters, no conflicts (2 of 4 stars). 2 submissions from 2 submitters: Uncertain significance (2). Last evaluated 2025-08-07.

Conditions:
Inborn genetic diseases. Identifiers: MedGen C0950123, MeSH D030342.

Allele frequency attached by ClinVar (database versions not stated): TOPMed below 0.00001.

Submissions (2):

Ambry Genetics
Classification: Uncertain significance for Inborn genetic diseases. Last evaluated: 2025-08-07. Review status: criteria provided, single submitter. Criteria: Ambry Variant Classification Scheme 2023. Collection method: clinical testing. Allele origin: germline.

Labcorp Genetics (formerly Invitae), Labcorp
Classification: Uncertain significance. Last evaluated: 2022-11-11. Review status: criteria provided, single submitter. Criteria: Invitae Variant Classification Sherloc (09022015). Collection method: clinical testing. Allele origin: germline.
Comment: In summary, the available evidence is currently insufficient to determine the role of this variant in disease. Therefore, it has been classified as a Variant of Uncertain Significance. Algorithms developed to predict the effect of missense changes on protein structure and function output the following: SIFT: "Tolerated"; PolyPhen-2: "Benign"; Align-GVGD: "Class C0". The asparagine amino acid residue is found in multiple mammalian species, which suggests that this missense change does not adversely affect protein function. This variant has not been reported in the literature in individuals affected with VCAN-related conditions. This variant is not present in population databases (gnomAD no frequency). This sequence change replaces aspartic acid, which is acidic and polar, with asparagine, which is neutral and polar, at codon 2166 of the VCAN protein (p.Asp2166Asn).

NM_004385.5(VCAN):c.6496G>A (p.Asp2166Asn)

Genes: VCAN (versican; plus strand), VCAN-AS1 (VCAN antisense RNA 1; minus strand). Cytogenetic location: 5q14.3.
Variant type: single nucleotide variant.
Coding change: c.6496G>A on transcript NM_004385.5 (MANE Select); coding-DNA position 6496, G replaced by A.
Protein change: p.Asp2166Asn; replaces aspartic acid 2166 with asparagine.
Molecular consequence: missense variant. On other transcripts: intron variant (2).
Genome position (GRCh38, 1-based): chr5:83,539,499, G>A. VCF-style: chr5-83539499-G-A. GRCh37 (hg19) VCF-style: chr5-82835318-G-A.
Other names: c.3535G>A, p.Asp1179Asn (NM_001164097.2); c.4004-6038G>A (NM_001164098.2); c.1043-6038G>A (NM_001126336.3); c.6496G>A (NM_004385.4); short protein forms D2166N, D1179N.
Identifiers: ClinVar variation 2870296 (VCV002870296.4), dbSNP rs1746876684, ClinGen allele CA360312686.
Genomic context (GRCh38, chr5:83,539,499, plus strand): 5'-ACTGAAACTGAACTCAAAACCACAGATTATTCTGTACTAACAACAAAGAAAACTTACAGT[G>A]ATGATAAAGAAATGAAGGAGGAAGACACTTCTTTAGTTAACATGTCTACTCCAGATCCAG-3'
Protein context (NP_004376.2, residues 2156-2176): SVLTTKKTYS[Asp2166Asn]DKEMKEEDTS